The following is an entry in ClinVar:

ClinVar aggregate classification (germline): Pathogenic (1 of 4 stars; one submission).

Conditions:
Familial multiple polyposis syndrome (FAP). Also called: Familial Adenomatous Polyposis (FAP); Familial adenomatous polyposis; Familial intestinal polyposis; Classic familial adenomatous polyposis; Familial polyposis. Identifiers: Orphanet 733, MedGen C0032580, MONDO:0021055. Disease mechanism: loss of function.

Submission:

Women's Health and Genetics/Laboratory Corporation of America, LabCorp
Classification: Pathogenic for Familial multiple polyposis syndrome. Last evaluated: 2024-08-09. Review status: criteria provided, single submitter. Criteria: LabCorp Variant Classification Summary - May 2015. Collection method: clinical testing. Allele origin: germline.
Comment: Variant summary: APC c.2485dupA (p.Thr829AsnfsX15) results in a premature termination codon, predicted to cause a truncation of the encoded protein or absence of the protein. Variants downstream from this position have been classified pathogenic by our lab. The variant was absent in 251058 control chromosomes. To our knowledge, no occurrence of c.2485dupA in individuals affected with Familial Adenomatous Polyposis and no experimental evidence demonstrating its impact on protein function have been reported. No submitters have cited clinical-significance assessments for this variant to ClinVar. Based on the evidence outlined above, the variant was classified as pathogenic.

NM_000038.6(APC):c.2485dup (p.Thr829fs)

Gene: APC (APC regulator of Wnt signaling pathway; plus strand). Cytogenetic location: 5q22.2.
Variant type: Duplication.
Coding change: c.2485dup on transcript NM_000038.6 (MANE Select); coding-DNA position 2485, one base duplicated (A; older notation c.2485dupA).
Protein change: p.Thr829fs; shifts the reading frame from threonine 829.
Molecular consequence: frameshift variant. On other transcripts: non-coding transcript variant (2).
Genome position (GRCh38, 1-based): chr5:112,838,079, A duplicated. VCF-style (leftmost placement, unchanged base first): chr5-112838078-T-TA. GRCh37 (hg19) VCF-style: chr5-112173775-T-TA.
Other names: c.2485dupA (NM_000038.6); c.2485dup, p.Thr829fs (NM_001127510.3, NM_001354895.2, NM_001407450.1); c.2431dup, p.Thr811fs (NM_001127511.3); c.2539dup, p.Thr847fs (NM_001354896.2, NM_001407447.1, NM_001407448.1 and 1 more transcripts); c.2515dup, p.Thr839fs (NM_001354897.2); c.2410dup, p.Thr804fs (NM_001354898.2); c.2401dup, p.Thr801fs (NM_001354899.2); c.2362dup, p.Thr788fs (NM_001354900.2); and 12 more; short protein forms T445fs, T546fs, T669fs, T700fs, T703fs, T728fs, T738fs, T746fs.
Identifiers: ClinVar variation 3366370 (VCV003366370.1).